The following is an entry in ClinVar:

NM_000179.3(MSH6):c.2294G>A (p.Cys765Tyr)

Gene: MSH6 (mutS homolog 6; plus strand). Cytogenetic location: 2p16.3.
Variant type: single nucleotide variant.
Coding change: c.2294G>A on transcript NM_000179.3 (MANE Select); coding-DNA position 2294, G replaced by A.
Protein change: p.Cys765Tyr; replaces cysteine 765 with tyrosine.
Molecular consequence: missense variant. On other transcripts: non-coding transcript variant (5), intron variant (2).
Genome position (GRCh38, 1-based): chr2:47,800,277, G>A. VCF-style: chr2-47800277-G-A. GRCh37 (hg19) VCF-style: chr2-48027416-G-A.
Other names: c.1997G>A, p.Cys666Tyr (NM_001406801.1, NM_001406805.1, NM_001406797.1 and 10 more transcripts); c.2390G>A, p.Cys797Tyr (NM_001406802.1, NM_001406795.1); c.2294G>A, p.Cys765Tyr (NM_001406803.1, NM_001406808.1, NM_001406809.1 and 3 more transcripts); c.2216G>A, p.Cys739Tyr (NM_001406804.1); c.1769G>A, p.Cys590Tyr (NM_001406806.1, NM_001406807.1, NM_001406799.1); c.1388G>A, p.Cys463Tyr (NM_001406811.1, NM_001281493.2, NM_001281494.2 and 6 more transcripts); c.1904G>A, p.Cys635Tyr (NM_001281492.2); c.2300G>A, p.Cys767Tyr (NM_001406813.1); and 3 more; short protein forms C590Y, C739Y, C767Y, C797Y, C463Y, C709Y, C765Y, C635Y.
Identifiers: ClinVar variation 2756264 (VCV002756264.3), dbSNP rs1553413671, ClinGen allele CA346752974.

ClinVar aggregate classification (germline): Uncertain significance (1 of 4 stars; one submission).

Conditions:
Hereditary nonpolyposis colorectal neoplasms. Identifiers: MedGen C0009405, MeSH D003123.

Submission:

Labcorp Genetics (formerly Invitae), Labcorp
Classification: Uncertain significance for Hereditary nonpolyposis colorectal neoplasms. Last evaluated: 2023-08-29. Review status: criteria provided, single submitter. Criteria: Invitae Variant Classification Sherloc (09022015). Collection method: clinical testing. Allele origin: germline.
Comment: In summary, the available evidence is currently insufficient to determine the role of this variant in disease. Therefore, it has been classified as a Variant of Uncertain Significance. Advanced modeling of protein sequence and biophysical properties (such as structural, functional, and spatial information, amino acid conservation, physicochemical variation, residue mobility, and thermodynamic stability) performed at Invitae indicates that this missense variant is expected to disrupt MSH6 protein function. This variant has not been reported in the literature in individuals affected with MSH6-related conditions. This variant is not present in population databases (gnomAD no frequency). This sequence change replaces cysteine, which is neutral and slightly polar, with tyrosine, which is neutral and polar, at codon 765 of the MSH6 protein (p.Cys765Tyr).